The following is an entry in ClinVar:

ClinVar aggregate classification (germline): Uncertain significance (1 of 4 stars; one submission).

Conditions:
Hereditary cancer-predisposing syndrome. Also called: Tumor predisposition; Hereditary Cancer Syndrome; Hereditary neoplastic syndrome; Neoplastic Syndromes, Hereditary. Identifiers: Orphanet 140162, MedGen C0027672, MeSH D009386, MONDO:0015356.

Submission:

Ambry Genetics
Classification: Uncertain significance for Hereditary cancer-predisposing syndrome. Last evaluated: 2025-12-12. Review status: criteria provided, single submitter. Criteria: Ambry Variant Classification Scheme 2023. Collection method: clinical testing. Allele origin: germline.
Comment: The p.L224F variant (also known as c.672G>C), located in coding exon 8 of the RAD51D gene, results from a G to C substitution at nucleotide position 672. The leucine at codon 224 is replaced by phenylalanine, an amino acid with highly similar properties. This amino acid position is conserved. In addition, the in silico prediction for this alteration is inconclusive. Since supporting evidence is limited at this time, the clinical significance of this alteration remains unclear.

NM_002878.4(RAD51D):c.672G>C (p.Leu224Phe)

Genes: RAD51L3-RFFL (RAD51L3-RFFL readthrough; minus strand), RAD51D (RAD51 paralog D; minus strand). Cytogenetic location: 17q12.
Variant type: single nucleotide variant.
Coding change: c.672G>C on transcript NM_002878.4 (MANE Select); coding-DNA position 672, G replaced by C.
Protein change: p.Leu224Phe; replaces leucine 224 with phenylalanine.
Molecular consequence: missense variant. On other transcripts: non-coding transcript variant (3).
Genome position (GRCh38, 1-based): chr17:35,103,320, C>G on the plus strand (G>C on the coding strand, the complement: RAD51D is on the minus strand). VCF-style: chr17-35103320-C-G. GRCh37 (hg19) VCF-style: chr17-33430339-C-G.
Other names: c.732G>C, p.Leu244Phe (NM_001142571.2); c.336G>C, p.Leu112Phe (NM_133629.3); short protein forms L224F, L244F, L112F.
Identifiers: ClinVar variation 2625299 (VCV002625299.3), dbSNP rs1200819197, ClinGen allele CA399087805.